The following is an entry in ClinVar:

ClinVar aggregate classification (germline): Likely pathogenic (1 of 4 stars; one submission).

Conditions:
Asphyxiating thoracic dystrophy 3. Also called: POLYDACTYLY WITH NEONATAL CHONDRODYSTROPHY, TYPE I; SHORT-RIB THORACIC DYSPLASIA 3/6 WITH POLYDACTYLY, DIGENIC; Short rib polydactyly syndrome 2B; Saldino-Noonan Syndrome; SHORT-RIB THORACIC DYSPLASIA 3 WITH OR WITHOUT POLYDACTYLY. Identifiers: Orphanet 474, Orphanet 93269, Orphanet 93270, Orphanet 93271, MedGen C0036069, MONDO:0013127, OMIM 613091.

gnomAD v4.1: 1 of 1,613,120 alleles (0.000062%); highest among the groups gnomAD compares: Non-Finnish European, 0.000085%; no homozygotes.

Submission:

Neuberg Centre For Genomic Medicine, NCGM
Classification: Likely pathogenic for Asphyxiating thoracic dystrophy 3. Last evaluated: 2023-05-20. Review status: criteria provided, single submitter. Criteria: ACMG Guidelines, 2015. Collection method: clinical testing. Allele origin: germline. Inheritance: Autosomal recessive inheritance. Affected: yes.
Comment: The observed stop gained variant c.12481C>T(p.Gln4161Ter) in DYNC2H1 gene has not been reported previously as a pathogenic variant nor as a benign variant, to our knowledge. The c.12481C>T variant is absent in gnomAD Exomes. Computational evidence (MutationTaster - Disease causing) predicts damaging effect on protein structure and function for this variant. This variant is predicted to cause loss of normal protein function through protein truncation. Loss of function variants have been previously reported to be disease causing (Dagoneau N, et al., 2009). For these reasons, this variant has been classified as Likely Pathogenic. In the absence of another reportable variant, the molecular diagnosis is not confirmed.

NM_001377.3(DYNC2H1):c.12481C>T (p.Gln4161Ter)

Gene: DYNC2H1 (dynein cytoplasmic 2 heavy chain 1; plus strand). Cytogenetic location: 11q22.3.
Variant type: single nucleotide variant.
Coding change: c.12481C>T on transcript NM_001377.3 (MANE Select); coding-DNA position 12481, C replaced by T.
Protein change: p.Gln4161Ter; replaces glutamine 4161 with a stop codon.
Molecular consequence: nonsense.
Genome position (GRCh38, 1-based): chr11:103,455,210, C>T. VCF-style: chr11-103455210-C-T. GRCh37 (hg19) VCF-style: chr11-103325938-C-T.
Other names: c.12502C>T, p.Gln4168Ter (NM_001080463.2); short protein forms Q4161*, Q4168*.
Identifiers: ClinVar variation 3341495 (VCV003341495.1).